The following is an entry in ClinVar:

NM_173354.5(SIK1):c.70G>C (p.Val24Leu)

Gene: SIK1 (salt inducible kinase 1; minus strand). Cytogenetic location: 21q22.3.
Variant type: single nucleotide variant.
Coding change: c.70G>C on transcript NM_173354.5 (MANE Select); coding-DNA position 70, G replaced by C.
Protein change: p.Val24Leu; replaces valine 24 with leucine.
Molecular consequence: missense variant.
Genome position (GRCh38, 1-based): chr21:43,426,109, C>G on the plus strand (G>C on the coding strand, the complement: SIK1 is on the minus strand). VCF-style: chr21-43426109-C-G. GRCh37 (hg19) VCF-style: chr21-44845989-C-G.
Other names: short protein forms V24L.
Identifiers: ClinVar variation 2833971 (VCV002833971.3), dbSNP rs2516969172, ClinGen allele CA410611078.

ClinVar aggregate classification (germline): Uncertain significance (1 of 4 stars; one submission).

Conditions:
Developmental and epileptic encephalopathy, 30 (DEE30). Also called: Epileptic encephalopathy, early infantile, 30. Identifiers: MedGen C4225360, MONDO:0014595, OMIM 616341.

Submission:

Labcorp Genetics (formerly Invitae), Labcorp
Classification: Uncertain significance for Developmental and epileptic encephalopathy, 30. Last evaluated: 2023-02-02. Review status: criteria provided, single submitter. Criteria: Invitae Variant Classification Sherloc (09022015). Collection method: clinical testing. Allele origin: germline.
Comment: This variant is not present in population databases (gnomAD no frequency). This sequence change replaces valine, which is neutral and non-polar, with leucine, which is neutral and non-polar, at codon 24 of the SIK1 protein (p.Val24Leu). This variant has not been reported in the literature in individuals affected with SIK1-related conditions. In summary, the available evidence is currently insufficient to determine the role of this variant in disease. Therefore, it has been classified as a Variant of Uncertain Significance. Advanced modeling of protein sequence and biophysical properties (such as structural, functional, and spatial information, amino acid conservation, physicochemical variation, residue mobility, and thermodynamic stability) performed at Invitae indicates that this missense variant is not expected to disrupt SIK1 protein function.